The following is an entry in ClinVar:

ClinVar aggregate classification (germline): Pathogenic (1 of 4 stars; one submission).

Conditions:
Methylmalonic aciduria, cblA type (MACA). Also called: Methylmalonic aciduria, vitamin b12-responsive, due to defect in synthesis of adenosylcobalamin, cbla complementation type; MMA cbl A type; Methylmalonic acidemia cblA type; Methylmalonic aciduria, vitamin B12-responsive; Vitamin B12-responsive methylmalonic acidemia type cblA. Identifiers: Orphanet 28, Orphanet 79310, MedGen C1855109, MONDO:0009613, OMIM 251100.

Submission:

Myriad Genetics, Inc.
Classification: Pathogenic for Methylmalonic aciduria, cblA type. Last evaluated: 2023-11-01. Review status: criteria provided, single submitter. Criteria: Myriad Autosomal Dominant, Autosomal Recessive and X-Linked Classification Criteria (2023). Collection method: clinical testing. Allele origin: unknown.
Comment: NM_172250.2(MMAA):c.521T>G(L174*) is expected to be pathogenic in the context of methylmalonic acidemia, cblA type. This variant is predicted to lead to an abnormal or absent protein product due to the creation of a premature termination codon in MMAA, a gene where loss-of-function variants are known to be pathogenic. Please note: this variant was assessed in the context of healthy population screening.

NM_172250.3(MMAA):c.521T>G (p.Leu174Ter)

Gene: MMAA (metabolism of cobalamin associated A; plus strand). Cytogenetic location: 4q31.21.
Variant type: single nucleotide variant.
Coding change: c.521T>G on transcript NM_172250.3 (MANE Select); coding-DNA position 521, T replaced by G.
Protein change: p.Leu174Ter; replaces leucine 174 with a stop codon.
Molecular consequence: nonsense.
Genome position (GRCh38, 1-based): chr4:145,642,444, T>G. VCF-style: chr4-145642444-T-G. GRCh37 (hg19) VCF-style: chr4-146563596-T-G.
Other names: c.521T>G, p.Leu174Ter (NM_001375644.1); short protein forms L174*.
Identifiers: ClinVar variation 5012450 (VCV005012450.1).